The following is an entry in ClinVar:

ClinVar aggregate classification (germline): Uncertain significance (1 of 4 stars; one submission).

gnomAD v4.1: 3 of 1,614,096 alleles (0.00019%); highest among the groups gnomAD compares: Admixed American, 0.0017%; no homozygotes.

Submission:

Ambry Genetics
Classification: Uncertain significance. Last evaluated: 2026-07-14. Review status: criteria provided, single submitter. Criteria: Ambry Variant Classification Scheme 2023. Collection method: clinical testing. Allele origin: germline.
Comment: The c.844A>T (p.M282L) alteration is located in exon 9 (coding exon 9) of the CELF2 gene. This alteration results from a A to T substitution at nucleotide position 844, causing the methionine (M) at amino acid position 282 to be replaced by a leucine (L). Based on data from gnomAD, the T allele has an overall frequency of <0.001% (1/249134) total alleles studied. The highest observed frequency was 0.003% (1/34514) of Latino alleles. Based on insufficient or conflicting evidence, the clinical significance of this alteration remains unclear.

NM_001326342.2(CELF2):c.844A>T (p.Met282Leu)

Gene: CELF2 (CUGBP Elav-like family member 2; plus strand). Cytogenetic location: 10p14.
Variant type: single nucleotide variant.
Coding change: c.844A>T on transcript NM_001326342.2 (MANE Select); coding-DNA position 844, A replaced by T.
Protein change: p.Met282Leu; replaces methionine 282 with leucine.
Molecular consequence: missense variant.
Genome position (GRCh38, 1-based): chr10:11,288,420, A>T. VCF-style: chr10-11288420-A-T. GRCh37 (hg19) VCF-style: chr10-11330383-A-T.
Other names: c.844A>T, p.Met282Leu (NM_001394518.1, NM_001394519.1, NM_006561.4 and 4 more transcripts); c.751A>T, p.Met251Leu (NM_001025076.2, NM_001083591.1, NM_001326317.2 and 15 more transcripts); c.823A>T, p.Met275Leu (NM_001025077.3, NM_001326337.2, NM_001394502.1 and 4 more transcripts); c.916A>T, p.Met306Leu (NM_001326325.2); c.859A>T, p.Met287Leu (NM_001326326.2, NM_001326327.2); c.490A>T, p.Met164Leu (NM_001326338.2, NM_001326339.2); c.139A>T, p.Met47Leu (NM_001326346.2, NM_001326333.2); c.775A>T, p.Met259Leu (NM_001326347.1); short protein forms M164L, M251L, M282L, M306L, M259L, M275L, M47L, M287L.
Identifiers: ClinVar variation 5034329 (VCV005034329.1).